The following is an entry in ClinVar:

NM_016026.4(RDH11):c.476T>G (p.Leu159Arg)

Genes: GPHN (gephyrin; plus strand), RDH11 (retinol dehydrogenase 11; minus strand). Cytogenetic location: 14q24.1.
Variant type: single nucleotide variant.
Coding change: c.476T>G on transcript NM_016026.4 (MANE Select); coding-DNA position 476, T replaced by G.
Protein change: p.Leu159Arg; replaces leucine 159 with arginine.
Molecular consequence: missense variant. On other transcripts: intron variant (1).
Genome position (GRCh38, 1-based): chr14:67,690,400, A>C on the plus strand (T>G on the coding strand, the complement: RDH11 is on the minus strand). VCF-style: chr14-67690400-A-C. GRCh37 (hg19) VCF-style: chr14-68157117-A-C.
Other names: c.454+740T>G (NM_001252650.2); short protein forms L159R.
Identifiers: ClinVar variation 1910784 (VCV001910784.5), dbSNP rs775323318, ClinGen allele CA7238371.
Genomic context (GRCh38, chr14:67,690,400, plus strand): 5'-GCGAGGGAAGACACATTTACTATCCTTGATGGGGCTGATTCCTTTAGTTTCTCTAGCAGC[A>C]GATGGGTTAGGAGGAAGTGACCTGTTGAGAAATACTAGAATTAATGAAGTTCAGGGCCAT-3'
Protein context (NP_057110.3, residues 149-169): NHLGHFLLTH[Leu159Arg]LLEKLKESAP

ClinVar aggregate classification (germline): Uncertain significance (1 of 4 stars; one submission).

Allele frequency attached by ClinVar (database versions not stated): ExAC 0.00001; gnomAD 0.00001; gnomAD exomes 0.00001; TOPMed 0.00001.
gnomAD v4.1: 12 of 1,614,110 alleles (0.00074%); highest among the groups gnomAD compares: Non-Finnish European, 0.001%; no homozygotes.

Submission:

Labcorp Genetics (formerly Invitae), Labcorp
Classification: Uncertain significance. Last evaluated: 2022-08-16. Review status: criteria provided, single submitter. Criteria: Invitae Variant Classification Sherloc (09022015). Collection method: clinical testing. Allele origin: germline.
Comment: In summary, the available evidence is currently insufficient to determine the role of this variant in disease. Therefore, it has been classified as a Variant of Uncertain Significance. Algorithms developed to predict the effect of missense changes on protein structure and function are either unavailable or do not agree on the potential impact of this missense change (SIFT: "Tolerated"; PolyPhen-2: "Probably Damaging"; Align-GVGD: "Class C0"). This variant has not been reported in the literature in individuals affected with RDH11-related conditions. This variant is present in population databases (rs775323318, gnomAD 0.003%). This sequence change replaces leucine, which is neutral and non-polar, with arginine, which is basic and polar, at codon 159 of the RDH11 protein (p.Leu159Arg).